The following is an entry in ClinVar:

NM_006361.6(HOXB13):c.215G>A (p.Gly72Glu)

Gene: HOXB13 (homeobox B13; minus strand). Cytogenetic location: 17q21.32.
Variant type: single nucleotide variant.
Coding change: c.215G>A on transcript NM_006361.6 (MANE Select); coding-DNA position 215, G replaced by A.
Protein change: p.Gly72Glu; replaces glycine 72 with glutamic acid.
Molecular consequence: missense variant.
Genome position (GRCh38, 1-based): chr17:48,728,379, C>T on the plus strand (G>A on the coding strand, the complement: HOXB13 is on the minus strand). VCF-style: chr17-48728379-C-T. GRCh37 (hg19) VCF-style: chr17-46805741-C-T.
Other names: short protein forms G72E.
Identifiers: ClinVar variation 690501 (VCV000690501.6), dbSNP rs774579054, ClinGen allele CA400107908.

ClinVar aggregate classification (germline): Uncertain significance. Review status: criteria provided, single submitter (1 of 4 stars). 2 submissions from 2 submitters: Uncertain significance (1). 1 of the submissions does not count toward it. Last evaluated 2018-01-17.

Conditions:
Prostate cancer, hereditary, 1 (HPC1). Identifiers: Orphanet 1331, MedGen C4722327, MONDO:0011098, OMIM 601518.
Hereditary cancer-predisposing syndrome. Also called: Neoplastic Syndromes, Hereditary; Tumor predisposition; Hereditary neoplastic syndrome; Hereditary Cancer Syndrome. Identifiers: Orphanet 140162, MedGen C0027672, MeSH D009386, MONDO:0015356.

Submissions (2):

Ambry Genetics
Classification: Uncertain significance for Hereditary cancer-predisposing syndrome. Last evaluated: 2018-01-17. Review status: criteria provided, single submitter. Criteria: Ambry Variant Classification Scheme 2023. Collection method: clinical testing. Allele origin: germline.
Comment: The p.G72E variant (also known as c.215G>A), located in coding exon 1 of the HOXB13 gene, results from a G to A substitution at nucleotide position 215. The glycine at codon 72 is replaced by glutamic acid, an amino acid with similar properties. This amino acid position is well conserved in available vertebrate species. In addition, this alteration is predicted to be tolerated by in silico analysis. Since supporting evidence is limited at this time, the clinical significance of this alteration remains unclear.

Laboratory of Virology, Microbiology,  Quality and Medical Biotechnologies, Faculty of Sciences and Techniques - Mohammedia, Hassan II University of Casablanca
Classification: Uncertain significance for Prostate cancer, hereditary, 1. Review status: no assertion criteria provided. Collection method: clinical testing. Allele origin: somatic. Affected: yes. Not counted in ClinVar's aggregate classification.